The following is an entry in ClinVar:

NM_002878.4(RAD51D):c.270_271dup (p.Lys91fs)

Genes: RAD51D (RAD51 paralog D; minus strand), RAD51L3-RFFL (RAD51L3-RFFL readthrough; minus strand). Cytogenetic location: 17q12.
Variant type: Duplication.
Coding change: c.270_271dup on transcript NM_002878.4 (MANE Select); coding-DNA positions 270 to 271, 2 bases duplicated (TA; older notation c.270_271dupTA).
Protein change: p.Lys91fs; shifts the reading frame from lysine 91.
Molecular consequence: frameshift variant. On other transcripts: non-coding transcript variant (2), intron variant (1).
Genome position (GRCh38, 1-based): chr17:35,107,440-35,107,441, TA duplicated on the plus strand (TA on the coding strand, the reverse complement: RAD51D is on the minus strand); duplicating any 2 consecutive bases within chr17:35,107,440-35,107,442 gives the same sequence; the c. name uses the placement nearest the transcript's 3' end. VCF-style (leftmost placement, unchanged base first): chr17-35107439-T-TTA. GRCh37 (hg19) VCF-style: chr17-33434458-T-TTA.
Other names: c.270_271dupTA (NM_002878.3, NM_002878.4); c.330_331dup, p.Lys111fs (NM_001142571.2); c.145-960_145-959dup (NM_133629.3); short protein forms K111fs, K91fs.
Identifiers: ClinVar variation 239394 (VCV000239394.96), dbSNP rs753862052, ClinGen allele CA8499526.

ClinVar aggregate classification (germline): Pathogenic/Likely pathogenic. Review status: criteria provided, multiple submitters, no conflicts (2 of 4 stars). 19 submissions from 19 submitters: Pathogenic (14); Likely pathogenic (2). 3 of the submissions do not count toward it. Last evaluated 2026-01-28.

Conditions:
Gastric cancer. Also called: Malignant tumor of stomach; Stomach cancer. Identifiers: MedGen C0024623, MeSH D013274, MONDO:0001056, OMIM 613659, HP:0012126.
Hereditary cancer-predisposing syndrome. Also called: Hereditary neoplastic syndrome; Hereditary Cancer Syndrome; Neoplastic Syndromes, Hereditary; Tumor predisposition. Identifiers: Orphanet 140162, MedGen C0027672, MeSH D009386, MONDO:0015356.
Hereditary breast ovarian cancer syndrome. Also called: BRCA1- and BRCA2-Associated Hereditary Breast and Ovarian Cancer; Breast and ovarian cancer; Hereditary breast and/or ovarian cancer syndrome; Hereditary breast and ovarian cancer syndrome (HBOC); Hereditary breast and ovarian cancer syndrome; Hereditary breast and ovarian cancer. Identifiers: Orphanet 145, MedGen C0677776, MeSH D061325, MONDO:0003582. Disease mechanism: loss of function.
Breast-ovarian cancer, familial, susceptibility to, 4. Identifiers: Orphanet 145, MedGen C3280345, MONDO:0013669, OMIM 614291.
Ovarian neoplasm. Also called: Ovarian tumor; Neoplasm of ovary; Ovarian Neoplasms. Identifiers: MedGen C0919267, MeSH D010051, MONDO:0021068, HP:0100615.

Submissions 1 to 11 of 19:

Labcorp Genetics (formerly Invitae), Labcorp
Classification: Pathogenic for Breast-ovarian cancer, familial, susceptibility to, 4. Last evaluated: 2026-01-28. Review status: criteria provided, single submitter. Criteria: Invitae Variant Classification Sherloc (09022015). Collection method: clinical testing. Allele origin: germline.
Comment: This sequence change creates a premature translational stop signal (p.Lys91Ilefs*13) in the RAD51D gene. It is expected to result in an absent or disrupted protein product. Loss-of-function variants in RAD51D are known to be pathogenic (PMID: 21822267). This variant is present in population databases (rs753862052, gnomAD 0.08%), and has an allele count higher than expected for a pathogenic variant. This premature translational stop signal has been observed in individual(s) with male breast cancer and ovarian and breast cancer (PMID: 21822267, 28008555). ClinVar contains an entry for this variant (Variation ID: 239394). RNA analysis performed to evaluate the impact of this premature translational stop signal on mRNA splicing indicates it does not significantly alter splicing (internal data). For these reasons, this variant has been classified as Pathogenic.

Color Diagnostics, LLC DBA Color Health
Classification: Pathogenic for Hereditary cancer-predisposing syndrome. Last evaluated: 2025-12-08. Review status: criteria provided, single submitter. Criteria: ACMG Guidelines, 2015. Collection method: clinical testing. Allele origin: germline.
Comment: This variant inserts 2 nucleotides in exon 4 of the RAD51D gene, creating a frameshift and premature translation stop signal. This variant is expected to result in an absent or non-functional protein product. This variant has been reported in individuals affected with breast and/or ovarian cancer (PMID: 21822267, 28008555, 29020732, 29348823, 32068069, 32359370, 35186721, 36544182, 37833926, 38905575DOI: 10.46308/kmj.2023.00283). This variant has been identified in 26/1547768 chromosomes in the general population by the Genome Aggregation Database (gnomAD). This allele frequency is higher than expected for a disease causing RAD51D variant and may indicate reduced penetrance relative to typical pathogenic RAD51D variants. Loss of RAD51D function is a known mechanism of disease. Based on the available evidence, this variant is classified as Pathogenic.

Ambry Genetics
Classification: Pathogenic for Hereditary cancer-predisposing syndrome. Last evaluated: 2025-03-19. Review status: criteria provided, single submitter. Criteria: Ambry Variant Classification Scheme 2023. Collection method: clinical testing. Allele origin: germline.
Comment: The c.270_271dupTA pathogenic mutation, located in coding exon 4 of the RAD51D gene, results from a duplication of TA at nucleotide position 270, causing a translational frameshift with a predicted alternate stop codon (p.K91Ifs*13). This mutation has been detected in multiple ovarian cancer patients as well as male and female breast cancer patients (Loveday C et al. Nat. Genet. 2011 Sep;43:879-82; Frey MK et al. Gynecol. Oncol. 2015 Nov;139:211-5; Susswein LR et al. Genet. Med. 2016 Aug;18:823-32; Pritzlaff M et al. Breast Cancer Res. Treat. 2017 Feb;161:575-586; Sun J et al. Clin. Cancer Res. 2017 Oct;23:6113-6119; Hirasawa A et al. Oncotarget. 2017 Nov;8:112258-112267; Wang YA et al. BMC Cancer. 2018 Mar;18:315; Eoh KJ et al. Cancer Res Treat. 2018 Jul;50:917-925). In addition to the clinical data presented in the literature, this alteration is expected to result in loss of function by premature protein truncation or nonsense-mediated mRNA decay. As such, this alteration is interpreted as a disease-causing mutation.

Center for Genomic Medicine, Rigshospitalet, Copenhagen University Hospital
Classification: Pathogenic. Last evaluated: 2025-03-04. Review status: criteria provided, single submitter. Criteria: ACMG Guidelines, 2015. Collection method: clinical testing. Allele origin: germline.

Department of Clinical Genetics, Copenhagen University Hospital, Rigshospitalet
Classification: Likely pathogenic for Hereditary cancer-predisposing syndrome. Last evaluated: 2025-02-04. Review status: criteria provided, single submitter. Criteria: ACMG Guidelines, 2015. Collection method: clinical testing. Allele origin: germline.
Comment: PVS1; PS4_SUP

Baylor Genetics
Classification: Pathogenic for Breast-ovarian cancer, familial, susceptibility to, 4. Last evaluated: 2024-03-10. Review status: criteria provided, single submitter. Criteria: ACMG Guidelines, 2015. Collection method: clinical testing. Allele origin: unknown.

Fulgent Genetics
Classification: Pathogenic for Breast-ovarian cancer, familial, susceptibility to, 4. Last evaluated: 2024-02-20. Review status: criteria provided, single submitter. Criteria: ACMG Guidelines, 2015. Collection method: clinical testing. Allele origin: germline.

Quest Diagnostics Nichols Institute San Juan Capistrano
Classification: Pathogenic. Last evaluated: 2024-02-02. Review status: criteria provided, single submitter. Criteria: Quest Diagnostics criteria. Collection method: clinical testing. Allele origin: unknown.
Comment: The RAD51D c.270_271dup (p.Lys91Ilefs*13) variant alters the translational reading frame of the RAD51D mRNA and causes the premature termination of RAD51D protein synthesis. This variant has been reported in the published literature in individuals affected with breast and/or ovarian cancer (PMIDs: 32318955 (2020), 32068069 (2020), 31780705 (2019), 30982232 (2019), 30875412 (2019), 29566657 (2018), 29020732 (2018), 29348823 (2017)). The frequency of this variant in the general population, 0.00076 (14/18394 chromosomes (Genome Aggregation Database)), is consistent with pathogenicity. Based on the available information, this variant is classified as pathogenic.

Myriad Genetics, Inc.
Classification: Pathogenic for Breast-ovarian cancer, familial, susceptibility to, 4. Last evaluated: 2023-04-06. Review status: criteria provided, single submitter. Criteria: Myriad Autosomal Dominant, Autosomal Recessive and X-Linked Classification Criteria (2023). Collection method: clinical testing. Allele origin: unknown.
Comment: This variant is considered pathogenic. This variant creates a frameshift predicted to result in premature protein truncation.

GeneDx
Classification: Pathogenic. Last evaluated: 2023-04-04. Review status: criteria provided, single submitter. Criteria: GeneDx Variant Classification Process June 2021. Collection method: clinical testing. Allele origin: germline. Affected: yes.
Comment: Frameshift variant predicted to result in protein truncation or nonsense mediated decay in a gene for which loss-of-function is a known mechanism of disease; Also known as c.271_272insTA, c.330_331dupTA; This variant is associated with the following publications: (PMID: 23372765, 28495237, 21822267, 28008555, 28724667, 26296696, 29020732, 29566657, 29348823, 28522256, 30165555, 32068069, 34917121, 32107557, 30875412, 33151324, 30982232, 32566746, 32318955, 26681312, 35273153, 28888541, 36225625, 35641994, 32980694)

CeGaT Center for Human Genetics Tuebingen
Classification: Pathogenic. Last evaluated: 2021-11-01. Review status: criteria provided, single submitter. Criteria: CeGaT Center For Human Genetics Tuebingen Variant Classification Criteria Version 2. Collection method: clinical testing. Allele origin: germline. Affected: yes. Observed: 1 variant allele.